The following is an entry in ClinVar:

ClinVar aggregate classification (germline): Uncertain significance. Review status: criteria provided, multiple submitters, no conflicts (2 of 4 stars). 2 submissions from 2 submitters: Uncertain significance (2). Last evaluated 2025-10-22.

Conditions:
Vici syndrome (VICIS). Identifiers: Orphanet 1493, MedGen C1855772, MONDO:0009452, OMIM 242840.
Inborn genetic diseases. Identifiers: MedGen C0950123, MeSH D030342.

Allele frequency attached by ClinVar (database versions not stated): gnomAD exomes 0.00003 and below 0.00001; TOPMed below 0.00001.
gnomAD v4.1: 43 of 1,614,202 alleles (0.0027%); highest among the groups gnomAD compares: Non-Finnish European, 0.0035%; no homozygotes.

Submissions (2):

Ambry Genetics
Classification: Uncertain significance for Inborn genetic diseases. Last evaluated: 2025-10-22. Review status: criteria provided, single submitter. Criteria: Ambry Variant Classification Scheme 2023. Collection method: clinical testing. Allele origin: germline.

Labcorp Genetics (formerly Invitae), Labcorp
Classification: Uncertain significance for Vici syndrome. Last evaluated: 2021-12-15. Review status: criteria provided, single submitter. Criteria: Invitae Variant Classification Sherloc (09022015). Collection method: clinical testing. Allele origin: germline.
Comment: This sequence change replaces leucine, which is neutral and non-polar, with phenylalanine, which is neutral and non-polar, at codon 1158 of the EPG5 protein (p.Leu1158Phe). This variant is present in population databases (rs201959853, gnomAD 0.0009%). This variant has not been reported in the literature in individuals affected with EPG5-related conditions. Algorithms developed to predict the effect of missense changes on protein structure and function output the following: SIFT: "Tolerated"; PolyPhen-2: "Probably Damaging"; Align-GVGD: "Class C0". The phenylalanine amino acid residue is found in multiple mammalian species, which suggests that this missense change does not adversely affect protein function. In summary, the available evidence is currently insufficient to determine the role of this variant in disease. Therefore, it has been classified as a Variant of Uncertain Significance.

NM_020964.3(EPG5):c.3472C>T (p.Leu1158Phe)

Gene: EPG5 (ectopic P-granules 5 autophagy tethering factor; minus strand). Cytogenetic location: 18q21.1.
Variant type: single nucleotide variant.
Coding change: c.3472C>T on transcript NM_020964.3 (MANE Select); coding-DNA position 3472, C replaced by T.
Protein change: p.Leu1158Phe; replaces leucine 1158 with phenylalanine.
Molecular consequence: missense variant.
Genome position (GRCh38, 1-based): chr18:45,916,119, G>A on the plus strand (C>T on the coding strand, the complement: EPG5 is on the minus strand). VCF-style: chr18-45916119-G-A. GRCh37 (hg19) VCF-style: chr18-43496084-G-A.
Other names: c.3472C>T (NM_020964.2); short protein forms L1158F.
Identifiers: ClinVar variation 1401247 (VCV001401247.5), dbSNP rs201959853, ClinGen allele CA299764560.